The following is an entry in ClinVar:

ClinVar aggregate classification (germline): Likely pathogenic (1 of 4 stars; one submission).

Submission:

Dasa
Classification: Likely pathogenic. Last evaluated: 2025-02-27. Review status: criteria provided, single submitter. Criteria: DASA Assertion Criteria. Collection method: clinical testing. Allele origin: germline.
Comment: NM_001927.4(DES):c.838C>T (p.Gln280*) is a nonsense variant in DES predicted to introduce a premature termination codon and is predicted to result in an absent or altered protein product. Loss of function is an established disease mechanism for DES-associated disorders. Also, this variant is absent from population databases. Based on the currently available evidence, this variant is classified as likely pathogenic.

NM_001927.4(DES):c.838C>T (p.Gln280Ter)

Gene: DES (desmin; plus strand). Cytogenetic location: 2q35.
Variant type: single nucleotide variant.
Coding change: c.838C>T on transcript NM_001927.4 (MANE Select); coding-DNA position 838, C replaced by T.
Protein change: p.Gln280Ter; replaces glutamine 280 with a stop codon.
Molecular consequence: nonsense. On other transcripts: intron variant (1).
Genome position (GRCh38, 1-based): chr2:219,420,597, C>T. VCF-style: chr2-219420597-C-T. GRCh37 (hg19) VCF-style: chr2-220285319-C-T.
Other names: c.735+251C>T (NM_001382709.1); c.835C>T, p.Gln279Ter (NM_001382708.1); c.838C>T, p.Gln280Ter (NM_001382710.1, NM_001382711.1, NM_001382712.1); c.568C>T, p.Gln190Ter (NM_001382713.1); short protein forms Q190*, Q279*, Q280*.
Identifiers: ClinVar variation 4856945 (VCV004856945.2).